The following is an entry in ClinVar:

ClinVar aggregate classification (germline): Uncertain significance. Review status: criteria provided, multiple submitters, no conflicts (2 of 4 stars). 2 submissions from 2 submitters: Uncertain significance (2). Last evaluated 2026-09-12.

Conditions:
Cardiovascular phenotype. Identifiers: MedGen CN230736.

gnomAD v4.1: 1 of 1,613,932 alleles (0.000062%); highest among the groups gnomAD compares: Non-Finnish European, 0.000085%; no homozygotes.

Submissions (2):

Ambry Genetics
Classification: Uncertain significance for Cardiovascular phenotype. Last evaluated: 2026-09-12. Review status: criteria provided, single submitter. Criteria: Ambry Variant Classification Scheme 2023. Collection method: clinical testing. Allele origin: germline.
Comment: The p.P3655L variant (also known as c.10964C>T), located in coding exon 41 of the ANK2 gene, results from a C to T substitution at nucleotide position 10964. The proline at codon 3655 is replaced by leucine, an amino acid with similar properties. This amino acid position is conserved. In addition, the in silico prediction for this alteration is inconclusive. Based on the available evidence, the clinical significance of this variant remains unclear.

GeneDx
Classification: Uncertain significance. Last evaluated: 2021-08-31. Review status: criteria provided, single submitter. Criteria: GeneDx Variant Classification Process June 2021. Collection method: clinical testing. Allele origin: germline. Affected: yes.
Comment: Has not been previously published as pathogenic or benign to our knowledge; Not observed at significant frequency in large population cohorts (Lek et al., 2016); In silico analysis supports that this missense variant has a deleterious effect on protein structure/function

NM_001148.6(ANK2):c.10964C>T (p.Pro3655Leu)

Gene: ANK2 (ankyrin 2; plus strand). Cytogenetic location: 4q26.
Variant type: single nucleotide variant.
Coding change: c.10964C>T on transcript NM_001148.6 (MANE Select); coding-DNA position 10964, C replaced by T.
Protein change: p.Pro3655Leu; replaces proline 3655 with leucine.
Molecular consequence: missense variant.
Genome position (GRCh38, 1-based): chr4:113,365,114, C>T. VCF-style: chr4-113365114-C-T. GRCh37 (hg19) VCF-style: chr4-114286270-C-T.
Other names: c.4682C>T, p.Pro1561Leu (NM_001127493.3); c.4721C>T, p.Pro1574Leu (NM_001354225.2); c.4610C>T, p.Pro1537Leu (NM_001354228.2, NM_001354258.2); c.4688C>T, p.Pro1563Leu (NM_001354230.2); c.4751C>T, p.Pro1584Leu (NM_001354231.2, NM_001354242.2); c.4745C>T, p.Pro1582Leu (NM_001354232.2); c.4706C>T, p.Pro1569Leu (NM_001354235.2, NM_001354246.2, NM_001354265.2); c.4607C>T, p.Pro1536Leu (NM_001354236.2); and 35 more; short protein forms P1409L, P1442L, P1470L, P1475L, P1483L, P1492L, P1495L, P1497L.
Identifiers: ClinVar variation 1209549 (VCV001209549.3), dbSNP rs2154053249, ClinGen allele CA357941640.
Genomic context (GRCh38, chr4:113,365,114, plus strand): 5'-AATGTCTCACCAAGATCAACCGAATGGATATTGTTCATCTCATGGAGACCAACACAGAAC[C>T]TCTCCAGGAGCGCATCAGTCATAGTTATGCAGAAATTGAACAGACCATTACACTGGATCA-3'
Protein context (NP_001139.3, residues 3645-3665): IVHLMETNTE[Pro3655Leu]LQERISHSYA